The following is an entry in ClinVar:

ClinVar aggregate classification (germline): Uncertain significance (1 of 4 stars; one submission).

Conditions:
Immunodeficiency 132A. Also called: Herpes simplex encephalitis, susceptibility to, 3. Identifiers: Orphanet 1930, MedGen C3553868, MONDO:0013920, OMIM 614849.

Submission:

Labcorp Genetics (formerly Invitae), Labcorp
Classification: Uncertain significance for Immunodeficiency 132A. Last evaluated: 2023-11-21. Review status: criteria provided, single submitter. Criteria: Invitae Variant Classification Sherloc (09022015). Collection method: clinical testing. Allele origin: germline.
Comment: This sequence change replaces serine, which is neutral and polar, with threonine, which is neutral and polar, at codon 9 of the TRAF3 protein (p.Ser9Thr). This variant is not present in population databases (gnomAD no frequency). This variant has not been reported in the literature in individuals affected with TRAF3-related conditions. An algorithm developed to predict the effect of missense changes on protein structure and function (PolyPhen-2) suggests that this variant is likely to be tolerated. In summary, the available evidence is currently insufficient to determine the role of this variant in disease. Therefore, it has been classified as a Variant of Uncertain Significance.

NM_145725.3(TRAF3):c.25T>A (p.Ser9Thr)

Gene: TRAF3 (TNF receptor associated factor 3; plus strand). Cytogenetic location: 14q32.32.
Variant type: single nucleotide variant.
Coding change: c.25T>A on transcript NM_145725.3 (MANE Select); coding-DNA position 25, T replaced by A.
Protein change: p.Ser9Thr; replaces serine 9 with threonine.
Molecular consequence: missense variant.
Genome position (GRCh38, 1-based): chr14:102,870,226, T>A. VCF-style: chr14-102870226-T-A. GRCh37 (hg19) VCF-style: chr14-103336563-T-A.
Other names: c.25T>A, p.Ser9Thr (NM_001199427.2, NM_001385142.1, NM_001385143.1 and 2 more transcripts); short protein forms S9T.
Identifiers: ClinVar variation 2781651 (VCV002781651.3), dbSNP rs2542430125, ClinGen allele CA391069546.